The following is an entry in ClinVar:

ClinVar aggregate classification (germline): Conflicting classifications of pathogenicity. Review status: criteria provided, conflicting classifications (1 of 4 stars). 6 submissions from 6 submitters: Uncertain significance (5); Likely benign (1). Last evaluated 2025-10-20.

Conditions:
Hereditary breast ovarian cancer syndrome. Also called: Breast and ovarian cancer; Hereditary breast and ovarian cancer; Hereditary breast and ovarian cancer syndrome; Hereditary breast and/or ovarian cancer syndrome; BRCA1- and BRCA2-Associated Hereditary Breast and Ovarian Cancer; Hereditary breast and ovarian cancer syndrome (HBOC). Identifiers: Orphanet 145, MedGen C0677776, MeSH D061325, MONDO:0003582. Disease mechanism: loss of function.
Pancreatic cancer, susceptibility to, 4. Identifiers: Orphanet 1333, MedGen C3280442, MONDO:0013685, OMIM 614320.
Familial cancer of breast. Also called: BREAST CANCER, FAMILIAL; hereditary breast carcinoma; Hereditary breast cancer. Identifiers: Orphanet 227535, MedGen C0346153, MONDO:0016419, OMIM 114480. Disease mechanism: loss of function.
Breast-ovarian cancer, familial, susceptibility to, 1 (BROVCA1). Also called: BRCA1 Hereditary Breast and Ovarian Cancer; OVARIAN CANCER, SUSCEPTIBILITY TO. Identifiers: Orphanet 145, MedGen C2676676, MONDO:0011450, OMIM 604370. Disease mechanism: loss of function.
Fanconi anemia, complementation group S (FANCS). Identifiers: MedGen C4554406, MONDO:0054748, OMIM 617883.
Hereditary cancer-predisposing syndrome. Also called: Tumor predisposition; Hereditary Cancer Syndrome; Neoplastic Syndromes, Hereditary; Hereditary neoplastic syndrome. Identifiers: Orphanet 140162, MedGen C0027672, MeSH D009386, MONDO:0015356.

Allele frequency attached by ClinVar (database versions not stated): gnomAD exomes below 0.00001.
gnomAD v4.1: 1 of 1,614,030 alleles (0.000062%); highest among the groups gnomAD compares: South Asian, 0.0011%; no homozygotes.

Submissions (6):

Labcorp Genetics (formerly Invitae), Labcorp
Classification: Uncertain significance for Hereditary breast ovarian cancer syndrome. Last evaluated: 2025-10-20. Review status: criteria provided, single submitter. Criteria: Invitae Variant Classification Sherloc (09022015). Collection method: clinical testing. Allele origin: germline.
Comment: This sequence change replaces histidine, which is basic and polar, with proline, which is neutral and non-polar, at codon 888 of the BRCA1 protein (p.His888Pro). This variant is present in population databases (no rsID available, gnomAD 0.003%). This variant has not been reported in the literature in individuals affected with BRCA1-related conditions. ClinVar contains an entry for this variant (Variation ID: 230920). Invitae Evidence Modeling of protein sequence and biophysical properties (such as structural, functional, and spatial information, amino acid conservation, physicochemical variation, residue mobility, and thermodynamic stability) indicates that this missense variant is not expected to disrupt BRCA1 protein function with a negative predictive value of 80%. In summary, the available evidence is currently insufficient to determine the role of this variant in disease. Therefore, it has been classified as a Variant of Uncertain Significance.

University of Washington Department of Laboratory Medicine, University of Washington
Classification: Likely benign for Hereditary cancer-predisposing syndrome. Last evaluated: 2023-03-23. Review status: criteria provided, single submitter. Criteria: Dines et al. (Genet Med. 2020). Collection method: curation. Allele origin: germline.
Comment: Missense variant in a coldspot region where missense variants are very unlikely to be pathogenic (PMID:31911673).

BRCA1 coldspot (exon 11 using historical exon numbering). Reclassification based on statistical prior probability

Ambry Genetics
Classification: Uncertain significance for Hereditary cancer-predisposing syndrome. Last evaluated: 2021-07-09. Review status: criteria provided, single submitter. Criteria: Ambry Variant Classification Scheme 2023. Collection method: clinical testing. Allele origin: germline.
Comment: The p.H888P variant (also known as c.2663A>C and 2782A>C), located in coding exon 9 of the BRCA1 gene, results from an A to C substitution at nucleotide position 2663. The histidine at codon 888 is replaced by proline, an amino acid with some similar properties. This amino acid position is poorly conserved in available vertebrate species. In addition, the in silico prediction for this alteration is inconclusive. Since supporting evidence is limited at this time, the clinical significance of this alteration remains unclear.

Color Diagnostics, LLC DBA Color Health
Classification: Uncertain significance for Hereditary cancer-predisposing syndrome. Last evaluated: 2020-11-10. Review status: criteria provided, single submitter. Criteria: ACMG Guidelines, 2015. Collection method: clinical testing. Allele origin: germline.
Comment: This missense variant replaces histidine with proline at codon 888 of the BRCA1 protein. Computational prediction is inconclusive regarding the impact of this variant on protein structure and function (internally defined REVEL score threshold 0.5 < inconclusive < 0.7, PMID: 27666373). To our knowledge, functional studies have not been reported for this variant. This variant has not been reported in individuals affected with hereditary cancer in the literature. This variant has been identified in 1/251068 chromosomes in the general population by the Genome Aggregation Database (gnomAD). The available evidence is insufficient to determine the role of this variant in disease conclusively. Therefore, this variant is classified as a Variant of Uncertain Significance.

GeneDx
Classification: Uncertain significance. Last evaluated: 2019-06-05. Review status: criteria provided, single submitter. Criteria: GeneDx Variant Classification Process June 2021. Collection method: clinical testing. Allele origin: germline. Affected: yes.
Comment: Not observed at a significant frequency in large population cohorts (Lek et al., 2016); In silico analysis, which includes protein predictors and evolutionary conservation, supports a deleterious effect; Has not been previously published as pathogenic or benign to our knowledge

Fulgent Genetics
Classification: Uncertain significance for Familial cancer of breast; Breast-ovarian cancer, familial, susceptibility to, 1; Pancreatic cancer, susceptibility to, 4; Fanconi anemia, complementation group S. Last evaluated: 2018-10-31. Review status: criteria provided, single submitter. Criteria: ACMG Guidelines, 2015. Collection method: clinical testing. Allele origin: unknown.

NM_007294.4(BRCA1):c.2663A>C (p.His888Pro)

Gene: BRCA1 (BRCA1 DNA repair associated; minus strand). Cytogenetic location: 17q21.31.
Variant type: single nucleotide variant.
Coding change: c.2663A>C on transcript NM_007294.4 (MANE Select); coding-DNA position 2663, A replaced by C.
Protein change: p.His888Pro; replaces histidine 888 with proline.
Molecular consequence: missense variant. On other transcripts: intron variant (137).
Genome position (GRCh38, 1-based): chr17:43,092,868, T>G on the plus strand (A>C on the coding strand, the complement: BRCA1 is on the minus strand). VCF-style: chr17-43092868-T-G. GRCh37 (hg19) VCF-style: chr17-41244885-T-G.
Other names: c.2450A>C, p.His817Pro (NM_001407571.1, NM_001407898.1, NM_001407899.1 and 9 more transcripts); c.2663A>C, p.His888Pro (NM_001407581.1, NM_001407582.1, NM_001407583.1 and 30 more transcripts); c.2660A>C, p.His887Pro (NM_001407587.1, NM_001407590.1, NM_001407591.1 and 22 more transcripts); c.2654A>C, p.His885Pro (NM_001407647.1, NM_001407646.1); c.2540A>C, p.His847Pro (NM_001407648.1, NM_001407668.1, NM_001407669.1 and 19 more transcripts); c.2537A>C, p.His846Pro (NM_001407649.1, NM_001407670.1, NM_001407671.1 and 11 more transcripts); c.2585A>C, p.His862Pro (NM_001407653.1, NM_001407654.1, NM_001407655.1 and 4 more transcripts); c.2522A>C, p.His841Pro (NM_001407692.1, NM_001407694.1, NM_001407695.1 and 29 more transcripts); and 41 more; short protein forms H888P, H841P, H800P, H818P, H846P, H885P, H847P, H861P.
Identifiers: ClinVar variation 230920 (VCV000230920.22), dbSNP rs876658843, ClinGen allele CA10580608.
Genomic context (GRCh38, chr17:43,092,868, plus strand): 5'-TCTTCCTTTTGTTCACATTCAAAAGTGACTTTTGGACTTTGTTTCTTTAAGGACCCAGAG[T>G]GGGCAGAGAATGTTGCACATTCCTCTTCTGCATTTCCTGGATTTGAAAACGGAGCAAATG-3'
Protein context (NP_009225.1, residues 878-898): AEEECATFSA[His888Pro]SGSLKKQSPK